The following is an entry in ClinVar:

ClinVar aggregate classification (germline): Uncertain significance (1 of 4 stars; one submission).

Conditions:
Sialuria. Also called: Sialic Acid Storage Disease; SIALURIA, FRENCH TYPE. Identifiers: Orphanet 3166, MedGen C0342853, MONDO:0010028, OMIM 269921.
GNE myopathy (NM). Also called: INCLUSION BODY MYOPATHY, HEREDITARY, AUTOSOMAL RECESSIVE; NONAKA DISTAL MYOPATHY; MYOPATHY, DISTAL, WITH OR WITHOUT RIMMED VACUOLES; INCLUSION BODY MYOPATHY 2, AUTOSOMAL RECESSIVE; IBM 2; Inclusion body myopathy autosomal recessive. Identifiers: Orphanet 602, MedGen C1853926, MONDO:0011603, OMIM 605820.

Submission:

Labcorp Genetics (formerly Invitae), Labcorp
Classification: Uncertain significance for Sialuria; GNE myopathy. Last evaluated: 2022-08-31. Review status: criteria provided, single submitter. Criteria: Invitae Variant Classification Sherloc (09022015). Collection method: clinical testing. Allele origin: germline.
Comment: This sequence change replaces alanine, which is neutral and non-polar, with threonine, which is neutral and polar, at codon 46 of the GNE protein (p.Ala46Thr). In summary, the available evidence is currently insufficient to determine the role of this variant in disease. Therefore, it has been classified as a Variant of Uncertain Significance. Algorithms developed to predict the effect of missense changes on protein structure and function (SIFT, PolyPhen-2, Align-GVGD) all suggest that this variant is likely to be disruptive. ClinVar contains an entry for this variant (Variation ID: 1489366). This variant has not been reported in the literature in individuals affected with GNE-related conditions. This variant is not present in population databases (gnomAD no frequency).

NM_005476.7(GNE):c.43G>A (p.Ala15Thr)

Gene: GNE (glucosamine (UDP-N-acetyl)-2-epimerase/N-acetylmannosamine kinase; minus strand). Cytogenetic location: 9p13.3.
Variant type: single nucleotide variant.
Coding change: c.43G>A on transcript NM_005476.7 (MANE Select); coding-DNA position 43, G replaced by A.
Protein change: p.Ala15Thr; replaces alanine 15 with threonine.
Molecular consequence: missense variant. On other transcripts: intron variant (3).
Genome position (GRCh38, 1-based): chr9:36,249,313, C>T on the plus strand (G>A on the coding strand, the complement: GNE is on the minus strand). VCF-style: chr9-36249313-C-T. GRCh37 (hg19) VCF-style: chr9-36249310-C-T.
Other names: c.136G>A, p.Ala46Thr (NM_001128227.3); c.43G>A, p.Ala15Thr (NM_001190383.3, NM_001374797.1); c.-13-2831G>A (NM_001190388.2, NM_001190384.3, NM_001374798.1); short protein forms A46T, A15T.
Identifiers: ClinVar variation 1489366 (VCV001489366.8), dbSNP rs2133126317, ClinGen allele CA373422077.
Genomic context (GRCh38, chr9:36,249,313, plus strand): 5'-CGGTTTTAATGCCAAACATGATCGGGGCAAGTTTAGAATAATCTGCACGGTTACAAGTAG[C>T]AACACAAACCCGCAGCTTTCGGTTATTTCCATTCTTCTCCATGATTTGCTTGTTTCGTTT-3'
Protein context (NP_005467.1, residues 5-25): GNNRKLRVCV[Ala15Thr]TCNRADYSKL